The following is an entry in ClinVar:

ClinVar aggregate classification (germline): Pathogenic (1 of 4 stars; one submission).

Conditions:
Imerslund-Grasbeck syndrome. Also called: Imerslund-Gräsbeck syndrome; ENTEROCYTE COBALAMIN MALABSORPTION; ENTEROCYTE INTRINSIC FACTOR RECEPTOR, DEFECT OF; PERNICIOUS ANEMIA, JUVENILE, DUE TO SELECTIVE INTESTINAL MALABSORPTION OF VITAMIN B12, WITH PROTEINURIA; Megaloblastic anemia due to inborn errors of metabolism. Identifiers: Orphanet 35858, MedGen C4551825, MONDO:0009853.

gnomAD v4.1: 4 of 1,613,960 alleles (0.00025%); highest among the groups gnomAD compares: East Asian, 0.0089%; no homozygotes.

Submission:

Labcorp Genetics (formerly Invitae), Labcorp
Classification: Pathogenic for Imerslund-Grasbeck syndrome. Last evaluated: 2019-05-09. Review status: criteria provided, single submitter. Criteria: Invitae Variant Classification Sherloc (09022015). Collection method: clinical testing. Allele origin: germline.
Comment: This sequence change creates a premature translational stop signal (p.Tyr3415*) in the CUBN gene. It is expected to result in an absent or disrupted protein product. This variant is not present in population databases (ExAC no frequency). This variant has not been reported in the literature in individuals with CUBN-related conditions. Loss-of-function variants in CUBN are known to be pathogenic (PMID: 15024727, 22929189). For these reasons, this variant has been classified as Pathogenic.

Literature cited by the submitters: PubMed 15024727; PubMed 22929189.

NM_001081.4(CUBN):c.10245C>A (p.Tyr3415Ter)

Gene: CUBN (cubilin; minus strand). Cytogenetic location: 10p13.
Variant type: single nucleotide variant.
Coding change: c.10245C>A on transcript NM_001081.4 (MANE Select); coding-DNA position 10245, C replaced by A.
Protein change: p.Tyr3415Ter; replaces tyrosine 3415 with a stop codon.
Molecular consequence: nonsense.
Genome position (GRCh38, 1-based): chr10:16,835,131, G>T on the plus strand (C>A on the coding strand, the complement: CUBN is on the minus strand). VCF-style: chr10-16835131-G-T. GRCh37 (hg19) VCF-style: chr10-16877130-G-T.
Other names: short protein forms Y3415*.
Identifiers: ClinVar variation 836099 (VCV000836099.8), dbSNP rs147730705, ClinGen allele CA376121234.
Genomic context (GRCh38, chr10:16,835,131, plus strand): 5'-GAGGGAAATGGTGTGGTTCTGGGGGGCTGTGAGAGTAACGGTGCAATCCTTGTCATTGTC[G>T]TAGTTATCTGGCCATCCAGGGCTTCTCAGGTTGCCAAATGCCTTGTGATAGTCTCTGTTG-3'